The following is an entry in ClinVar:

NM_014915.3(ANKRD26):c.1175A>C (p.Tyr392Ser)

Gene: ANKRD26 (ankyrin repeat domain containing 26; minus strand). Cytogenetic location: 10p12.1.
Variant type: single nucleotide variant.
Coding change: c.1175A>C on transcript NM_014915.3 (MANE Select); coding-DNA position 1175, A replaced by C.
Protein change: p.Tyr392Ser; replaces tyrosine 392 with serine.
Molecular consequence: missense variant.
Genome position (GRCh38, 1-based): chr10:27,067,189, T>G on the plus strand (A>C on the coding strand, the complement: ANKRD26 is on the minus strand). VCF-style: chr10-27067189-T-G. GRCh37 (hg19) VCF-style: chr10-27356118-T-G.
Other names: c.1175A>C, p.Tyr392Ser (NM_001256053.2); short protein forms Y392S.
Identifiers: ClinVar variation 3914558 (VCV003914558.1).

ClinVar aggregate classification (germline): Uncertain significance (1 of 4 stars; one submission).

Conditions:
Inborn genetic diseases. Identifiers: MedGen C0950123, MeSH D030342.

Submission:

Ambry Genetics
Classification: Uncertain significance for Inborn genetic diseases. Last evaluated: 2025-05-17. Review status: criteria provided, single submitter. Criteria: Ambry Variant Classification Scheme 2023. Collection method: clinical testing. Allele origin: germline.
Comment: The p.Y392S variant (also known as c.1175A>C), located in coding exon 10 of the ANKRD26 gene, results from an A to C substitution at nucleotide position 1175. The tyrosine at codon 392 is replaced by serine, an amino acid with dissimilar properties. This amino acid position is conserved. In addition, this alteration is predicted to be tolerated by in silico analysis. Based on the available evidence, the clinical significance of this variant remains unclear.